The following is an entry in ClinVar:

NC_000005.9:g.(?_125880657)_(125891727_?)del

Gene: ALDH7A1 (aldehyde dehydrogenase 7 family member A1; minus strand). Cytogenetic location: 5q23.2.
Variant type: Deletion.
Identifiers: ClinVar variation 3246342 (VCV003246342.1).

ClinVar aggregate classification (germline): Pathogenic (1 of 4 stars; one submission).

Conditions:
Pyridoxine-dependent epilepsy (EPEO4). Also called: PYRIDOXINE DEPENDENCY WITH SEIZURES; Pyridoxine-Dependent Seizures; Pyridoxine-Dependent Epilepsy - ALDH7A1; EPILEPSY, EARLY-ONSET, 4, VITAMIN B6-DEPENDENT. Identifiers: Orphanet 3006, MedGen C1849508, MONDO:0009945, OMIM 266100. Disease mechanism: loss of function.

Submission:

Labcorp Genetics (formerly Invitae), Labcorp
Classification: Pathogenic for Pyridoxine-dependent epilepsy. Last evaluated: 2023-10-10. Review status: criteria provided, single submitter. Criteria: Invitae Variant Classification Sherloc (09022015). Collection method: clinical testing. Allele origin: unknown.
Comment: This variant is a gross deletion of the genomic region encompassing exon(s) 12-18 of the ALDH7A1 gene, which includes the termination codon. This deletion extends beyond the assayed region for this gene and therefore may encompass additional genes. While this deletion is not anticipated to lead to nonsense mediated decay, it is expected to alter mRNA translation or result in a truncated protein product. This variant has not been reported in the literature in individuals affected with ALDH7A1-related conditions. This variant disrupts a region of the ALDH7A1 protein in which other variant(s) (p.Arg518Thr) have been determined to be pathogenic (PMID: 26544041, 31737911). This suggests that this is a clinically significant region of the protein, and that variants that disrupt it are likely to be disease-causing. For these reasons, this variant has been classified as Pathogenic.

Literature cited by the submitters: PubMed 26544041; PubMed 31737911.